The following is an entry in ClinVar:

NM_015047.3(EMC1):c.2553C>T (p.Ile851=)

Genes: EMC1 (ER membrane protein complex subunit 1; minus strand), EMC1-AS1 (EMC1 antisense RNA 1; plus strand). Cytogenetic location: 1p36.13.
Variant type: single nucleotide variant.
Coding change: c.2553C>T on transcript NM_015047.3 (MANE Select); coding-DNA position 2553, C replaced by T.
Protein change: p.Ile851=; no amino-acid change (isoleucine 851 retained).
Molecular consequence: synonymous variant.
Genome position (GRCh38, 1-based): chr1:19,222,658, G>A on the plus strand (C>T on the coding strand, the complement: EMC1 is on the minus strand). VCF-style: chr1-19222658-G-A. GRCh37 (hg19) VCF-style: chr1-19549152-G-A.
Other names: c.2550C>T, p.Ile850= (NM_001271427.2, NM_001271428.2); c.2487C>T, p.Ile829= (NM_001271429.2); c.2562C>T, p.Ile854= (NM_001375820.1); c.2559C>T, p.Ile853= (NM_001375821.1).
Identifiers: ClinVar variation 730026 (VCV000730026.12), dbSNP rs148902366, ClinGen allele CA652245.

ClinVar aggregate classification (germline): Likely benign. Review status: criteria provided, multiple submitters, no conflicts (2 of 4 stars). 4 submissions from 4 submitters: Likely benign (3). 1 of the submissions does not count toward it. Last evaluated 2026-01-21.

Conditions:
Retinal dystrophy. Also called: Inherited retinal dystrophy. Identifiers: Orphanet 71862, MedGen C0854723, MeSH D058499, MONDO:0019118, HP:0000556.
EMC1-related disorder. Also called: EMC1-related condition.

Allele frequency attached by ClinVar (database versions not stated): gnomAD exomes 0.00004 and 0.00019; ExAC 0.00021; gnomAD 0.00042 and 0.00046; ESP Exome Variant Server 0.00046; TOPMed 0.00049.
gnomAD v4.1: 197 of 1,614,130 alleles (0.012%); highest among the groups gnomAD compares: East Asian, 0.11%; 2 homozygotes.

Submissions (4):

Labcorp Genetics (formerly Invitae), Labcorp
Classification: Likely benign. Last evaluated: 2026-01-21. Review status: criteria provided, single submitter. Criteria: Invitae Variant Classification Sherloc (09022015). Collection method: clinical testing. Allele origin: germline.

Blueprint Genetics
Classification: Likely benign. Last evaluated: 2024-06-27. Review status: criteria provided, single submitter. Criteria: ACMG Guidelines, 2015. Collection method: clinical testing. Allele origin: germline.

Dept Of Ophthalmology, Nagoya University
Classification: Likely benign for Retinal dystrophy. Last evaluated: 2023-10-01. Review status: criteria provided, single submitter. Criteria: Submitter's publication. Collection method: research. Allele origin: germline. Affected: yes.

PreventionGenetics, part of Exact Sciences
Classification: Likely benign for EMC1-related condition. Last evaluated: 2019-08-29. Review status: no assertion criteria provided. Collection method: clinical testing. Allele origin: germline. Not counted in ClinVar's aggregate classification.
Comment: This variant is classified as likely benign based on ACMG/AMP sequence variant interpretation guidelines (Richards et al. 2015 PMID: 25741868, with internal and published modifications).